The following is an entry in ClinVar:

ClinVar aggregate classification (germline): Uncertain significance (1 of 4 stars; one submission).

Conditions:
Camptomelic dysplasia (CMPD). Also called: CMPD1/SRA1; Campomelic Dysplasia. Identifiers: Orphanet 140, MedGen C1861922, MONDO:0007251, OMIM 114290.

Allele frequency attached by ClinVar (database versions not stated): ExAC 0.00001.
gnomAD v4.1: 2 of 1,614,130 alleles (0.00012%); highest among the groups gnomAD compares: Non-Finnish European, 0.00017%; no homozygotes.

Submission:

Labcorp Genetics (formerly Invitae), Labcorp
Classification: Uncertain significance for Camptomelic dysplasia. Last evaluated: 2023-05-19. Review status: criteria provided, single submitter. Criteria: Invitae Variant Classification Sherloc (09022015). Collection method: clinical testing. Allele origin: germline.
Comment: This variant is not present in population databases (gnomAD no frequency). This variant has not been reported in the literature in individuals affected with SOX9-related conditions. Advanced modeling of protein sequence and biophysical properties (such as structural, functional, and spatial information, amino acid conservation, physicochemical variation, residue mobility, and thermodynamic stability) performed at Invitae indicates that this missense variant is not expected to disrupt SOX9 protein function. In summary, the available evidence is currently insufficient to determine the role of this variant in disease. Therefore, it has been classified as a Variant of Uncertain Significance. This sequence change replaces glycine, which is neutral and non-polar, with valine, which is neutral and non-polar, at codon 263 of the SOX9 protein (p.Gly263Val).

NM_000346.4(SOX9):c.788G>T (p.Gly263Val)

Gene: SOX9 (SRY-box transcription factor 9; plus strand). Cytogenetic location: 17q24.3.
Variant type: single nucleotide variant.
Coding change: c.788G>T on transcript NM_000346.4 (MANE Select); coding-DNA position 788, G replaced by T.
Protein change: p.Gly263Val; replaces glycine 263 with valine.
Molecular consequence: missense variant.
Genome position (GRCh38, 1-based): chr17:72,123,645, G>T. VCF-style: chr17-72123645-G-T. GRCh37 (hg19) VCF-style: chr17-70119786-G-T.
Other names: short protein forms G263V.
Identifiers: ClinVar variation 3011899 (VCV003011899.3), dbSNP rs756469416, ClinGen allele CA8739026.